The following is an entry in ClinVar:

NM_153717.3(EVC):c.2167C>T (p.Gln723Ter)

Gene: EVC (EvC ciliary complex subunit 1; plus strand). Cytogenetic location: 4p16.2.
Variant type: single nucleotide variant.
Coding change: c.2167C>T on transcript NM_153717.3 (MANE Select); coding-DNA position 2167, C replaced by T.
Protein change: p.Gln723Ter; replaces glutamine 723 with a stop codon.
Molecular consequence: nonsense.
Genome position (GRCh38, 1-based): chr4:5,798,655, C>T. VCF-style: chr4-5798655-C-T. GRCh37 (hg19) VCF-style: chr4-5800382-C-T.
Other names: c.2167C>T, p.Gln723Ter (NM_001306090.2); short protein forms Q723*.
Identifiers: ClinVar variation 2946836 (VCV002946836.4), dbSNP rs2474424005, ClinGen allele CA356145085.

ClinVar aggregate classification (germline): Pathogenic. Review status: criteria provided, multiple submitters, no conflicts (2 of 4 stars). 2 submissions from 2 submitters: Pathogenic (2). Last evaluated 2023-11-25.

Conditions:
Ellis-van Creveld syndrome (EVC). Also called: MESOECTODERMAL DYSPLASIA; Chondroectodermal dysplasia. Identifiers: Orphanet 289, MedGen C0013903, MONDO:0009162, OMIM 225500.
Curry-Hall syndrome (WAD). Also called: WEYERS ACRODENTAL DYSOSTOSIS. Identifiers: Orphanet 952, MedGen C0457013, MONDO:0008673, OMIM 193530.

Submissions (2):

Myriad Genetics, Inc.
Classification: Pathogenic for Ellis-van Creveld syndrome. Last evaluated: 2023-11-25. Review status: criteria provided, single submitter. Criteria: Myriad Autosomal Dominant, Autosomal Recessive and X-Linked Classification Criteria (2023). Collection method: clinical testing. Allele origin: unknown.
Comment: NM_153717.2(EVC):c.2167C>T(Q723*) is expected to be pathogenic in the context of EVC-related Ellis-van Creveld syndrome. This variant is predicted to lead to an abnormal or absent protein product due to the creation of a premature termination codon in EVC, a gene where loss-of-function variants are known to be pathogenic. Please note: this variant was assessed in the context of healthy population screening.

Labcorp Genetics (formerly Invitae), Labcorp
Classification: Pathogenic for Curry-Hall syndrome; Ellis-van Creveld syndrome. Last evaluated: 2023-04-16. Review status: criteria provided, single submitter. Criteria: Invitae Variant Classification Sherloc (09022015). Collection method: clinical testing. Allele origin: germline.
Comment: This sequence change creates a premature translational stop signal (p.Gln723*) in the EVC gene. It is expected to result in an absent or disrupted protein product. Loss-of-function variants in EVC are known to be pathogenic (PMID: 23220543). This variant is not present in population databases (gnomAD no frequency). This variant has not been reported in the literature in individuals affected with EVC-related conditions. For these reasons, this variant has been classified as Pathogenic.

Literature cited by the submitters: PubMed 23220543 (cited by Labcorp Genetics (formerly Invitae), Labcorp).